The following is an entry in ClinVar:

NM_007194.4(CHEK2):c.253C>T (p.Pro85Ser)

Gene: CHEK2 (checkpoint kinase 2; minus strand). Cytogenetic location: 22q12.1.
Variant type: single nucleotide variant.
Coding change: c.253C>T on transcript NM_007194.4 (MANE Select); coding-DNA position 253, C replaced by T.
Protein change: p.Pro85Ser; replaces proline 85 with serine.
Molecular consequence: missense variant.
Genome position (GRCh38, 1-based): chr22:28,734,469, G>A on the plus strand (C>T on the coding strand, the complement: CHEK2 is on the minus strand). VCF-style: chr22-28734469-G-A. GRCh37 (hg19) VCF-style: chr22-29130457-G-A.
Other names: c.253C>T, p.Pro85Ser (NM_001005735.3, NM_001349956.3, NM_145862.3); c.-525C>T (NM_001257387.3); short protein forms P85S.
Identifiers: ClinVar variation 821450 (VCV000821450.9), dbSNP rs1366081066, ClinGen allele CA411090558.

ClinVar aggregate classification (germline): Uncertain significance. Review status: criteria provided, multiple submitters, no conflicts (2 of 4 stars). 2 submissions from 2 submitters: Uncertain significance (2). Last evaluated 2024-12-23.

Conditions:
Familial cancer of breast. Also called: BREAST CANCER, FAMILIAL; Hereditary breast cancer; hereditary breast carcinoma. Identifiers: Orphanet 227535, MedGen C0346153, MONDO:0016419, OMIM 114480. Disease mechanism: loss of function.
Hereditary cancer-predisposing syndrome. Also called: Neoplastic Syndromes, Hereditary; Tumor predisposition; Hereditary Cancer Syndrome; Hereditary neoplastic syndrome. Identifiers: Orphanet 140162, MedGen C0027672, MeSH D009386, MONDO:0015356.

Allele frequency attached by ClinVar (database versions not stated): gnomAD exomes below 0.00001; gnomAD 0.00001.
gnomAD v4.1: 4 of 1,613,558 alleles (0.00025%); highest among the groups gnomAD compares: African/African-American, 0.0013%; no homozygotes.

Submissions (2):

Labcorp Genetics (formerly Invitae), Labcorp
Classification: Uncertain significance for Familial cancer of breast. Last evaluated: 2024-12-23. Review status: criteria provided, single submitter. Criteria: Invitae Variant Classification Sherloc (09022015). Collection method: clinical testing. Allele origin: germline.
Comment: This sequence change replaces proline, which is neutral and non-polar, with serine, which is neutral and polar, at codon 85 of the CHEK2 protein (p.Pro85Ser). This variant is present in population databases (no rsID available, gnomAD 0.01%). This variant has not been reported in the literature in individuals affected with CHEK2-related conditions. ClinVar contains an entry for this variant (Variation ID: 821450). An algorithm developed to predict the effect of missense changes on protein structure and function (PolyPhen-2) suggests that this variant is likely to be tolerated. In summary, the available evidence is currently insufficient to determine the role of this variant in disease. Therefore, it has been classified as a Variant of Uncertain Significance.

Ambry Genetics
Classification: Uncertain significance for Hereditary cancer-predisposing syndrome. Last evaluated: 2024-02-22. Review status: criteria provided, single submitter. Criteria: Ambry Variant Classification Scheme 2023. Collection method: clinical testing. Allele origin: germline.
Comment: The p.P85S variant (also known as c.253C>T), located in coding exon 1 of the CHEK2 gene, results from a C to T substitution at nucleotide position 253. The proline at codon 85 is replaced by serine, an amino acid with similar properties. This alteration was reported as functional in a study assessing CHEK2-complementation through quantification of KAP1 phosphorylation and CHK2 autophosphorylation in human RPE1-CHEK2-knockout cells (Stolarova L et al. Clin Cancer Res, 2023 Aug;29:3037-3050). This amino acid position is highly conserved in available vertebrate species. In addition, this alteration is predicted to be tolerated by in silico analysis. Based on the available evidence, the clinical significance of this alteration remains unclear.

Literature cited by the submitters: PubMed 37449874 (cited by Ambry Genetics).